The following is an entry in ClinVar:

ClinVar aggregate classification (germline): Uncertain significance. Review status: criteria provided, multiple submitters, no conflicts (2 of 4 stars). 7 submissions from 7 submitters: Uncertain significance (6). 1 of the submissions does not count toward it. Last evaluated 2022-07-19.

Conditions:
Autosomal recessive limb-girdle muscular dystrophy type 2B (LGMDR2). Also called: MUSCULAR DYSTROPHY, LIMB-GIRDLE, TYPE 3; Limb-girdle muscular dystrophy, type 2B; Limb-Girdle Muscular Dystrophy Type 2B (LGMD2B); MUSCULAR DYSTROPHY, LIMB-GIRDLE, AUTOSOMAL RECESSIVE 2. Identifiers: Orphanet 268, MedGen C1850889, MONDO:0009676, OMIM 253601.
Neuromuscular disease caused by qualitative or quantitative defects of dysferlin. Also called: Dysferlinopathy; Qualitative or quantitative defects of dysferlin. Identifiers: Orphanet 207073, MedGen C2931687, MONDO:0016145.

Allele frequency attached by ClinVar (database versions not stated): gnomAD 0.00004 and 0.00005; TOPMed 0.00005; ESP Exome Variant Server 0.00008; ExAC 0.00011; gnomAD exomes 0.00012; 1000 Genomes Project 30x 0.00016; 1000 Genomes Project 0.00020.
gnomAD v4.1: 145 of 1,613,896 alleles (0.009%); highest among the groups gnomAD compares: East Asian, 0.013%; no homozygotes.

Submissions (7):

Labcorp Genetics (formerly Invitae), Labcorp
Classification: Uncertain significance for Neuromuscular disease caused by qualitative or quantitative defects of dysferlin. Last evaluated: 2022-07-19. Review status: criteria provided, single submitter. Criteria: Invitae Variant Classification Sherloc (09022015). Collection method: clinical testing. Allele origin: germline.
Comment: This sequence change replaces threonine, which is neutral and polar, with isoleucine, which is neutral and non-polar, at codon 937 of the DYSF protein (p.Thr937Ile). This variant is present in population databases (rs201209494, gnomAD 0.09%), including at least one homozygous and/or hemizygous individual. This variant has not been reported in the literature in individuals affected with DYSF-related conditions. ClinVar contains an entry for this variant (Variation ID: 336962). Algorithms developed to predict the effect of missense changes on protein structure and function are either unavailable or do not agree on the potential impact of this missense change (SIFT: "Tolerated"; PolyPhen-2: "Probably Damaging"; Align-GVGD: "Class C0"). Algorithms developed to predict the effect of sequence changes on RNA splicing suggest that this variant may disrupt the consensus splice site. In summary, the available evidence is currently insufficient to determine the role of this variant in disease. Therefore, it has been classified as a Variant of Uncertain Significance.

Revvity Omics, Revvity
Classification: Uncertain significance. Last evaluated: 2019-06-26. Review status: criteria provided, single submitter. Criteria: ACMG Guidelines, 2015. Collection method: clinical testing. Allele origin: germline.

Laboratorio de Genetica e Diagnostico Molecular, Hospital Israelita Albert Einstein
Classification: Uncertain significance. Last evaluated: 2019-05-08. Review status: criteria provided, single submitter. Criteria: ACMG Guidelines, 2015. Collection method: clinical testing. Allele origin: germline. Affected: yes.
Comment: ACMG classification criteria: PM2, PP3

GeneDx
Classification: Uncertain significance. Last evaluated: 2019-04-03. Review status: criteria provided, single submitter. Criteria: GeneDx Variant Classification Process June 2021. Collection method: clinical testing. Allele origin: germline. Affected: yes.
Comment: In silico analysis, which includes protein predictors and evolutionary conservation, supports a deleterious effect; Has not been previously published as pathogenic or benign to our knowledge

Illumina Laboratory Services, Illumina
Classification: Uncertain significance for Qualitative or quantitative defects of dysferlin. Last evaluated: 2018-01-12. Review status: criteria provided, single submitter. Criteria: ICSL Variant Classification Criteria 13 December 2019. Collection method: clinical testing. Allele origin: germline.

Eurofins Ntd Llc (ga)
Classification: Uncertain significance. Last evaluated: 2018-01-11. Review status: criteria provided, single submitter. Criteria: EGL Classification Definitions 2015. Collection method: clinical testing. Allele origin: germline. Observed: 1 variant allele, 1 heterozygote.

Natera, Inc.
Classification: Uncertain significance for Limb-girdle muscular dystrophy type 2B. Last evaluated: 2020-01-20. Review status: no assertion criteria provided. Collection method: clinical testing. Allele origin: germline. Not counted in ClinVar's aggregate classification.

NM_001130987.2(DYSF):c.2864C>T (p.Thr955Ile)

Gene: DYSF (dysferlin; plus strand). Cytogenetic location: 2p13.2.
Variant type: single nucleotide variant.
Coding change: c.2864C>T on transcript NM_001130987.2 (MANE Select); coding-DNA position 2864, C replaced by T.
Protein change: p.Thr955Ile; replaces threonine 955 with isoleucine.
Molecular consequence: missense variant.
Genome position (GRCh38, 1-based): chr2:71,568,338, C>T. VCF-style: chr2-71568338-C-T. GRCh37 (hg19) VCF-style: chr2-71795468-C-T.
Other names: c.2813C>T, p.Thr938Ile (NM_001130455.2, NM_001130983.2); c.2768C>T, p.Thr923Ile (NM_001130976.2, NM_001130977.2); c.2810C>T, p.Thr937Ile (NM_001130978.2, NM_003494.4); c.2903C>T, p.Thr968Ile (NM_001130979.2); c.2861C>T, p.Thr954Ile (NM_001130980.2, NM_001130981.2); c.2906C>T, p.Thr969Ile (NM_001130982.2); c.2771C>T, p.Thr924Ile (NM_001130984.2, NM_001130986.2); c.2864C>T, p.Thr955Ile (NM_001130985.2); short protein forms T937I, T955I, T969I, T923I, T954I, T968I, T924I, T938I.
Identifiers: ClinVar variation 336962 (VCV000336962.18), dbSNP rs201209494, ClinGen allele CA1706297.
Genomic context (GRCh38, chr2:71,568,338, plus strand): 5'-GCTTCCGCCCCTCGGCCGGCTGGACCTGGGCTGGAGATTGGTTCGTGTGTCCGGAGAAGA[C>T]GTGAGTCGTGGGCAGGGAGGGCTGGGGAGAGCCAGGCCAGGCTGCCCACCATGGACTGCA-3'
Protein context (NP_001124459.1, residues 945-965): AGDWFVCPEK[Thr955Ile]LLHDMDAGHL